The following is an entry in ClinVar:

NM_015168.2(ZC3H4):c.1095C>T (p.Asp365=)

Gene: ZC3H4 (zinc finger CCCH-type containing 4; minus strand). Cytogenetic location: 19q13.32.
Variant type: single nucleotide variant.
Coding change: c.1095C>T on transcript NM_015168.2 (MANE Select); coding-DNA position 1095, C replaced by T.
Protein change: p.Asp365=; no amino-acid change (aspartic acid 365 retained).
Molecular consequence: synonymous variant.
Genome position (GRCh38, 1-based): chr19:47,085,068, G>A on the plus strand (C>T on the coding strand, the complement: ZC3H4 is on the minus strand). VCF-style: chr19-47085068-G-A. GRCh37 (hg19) VCF-style: chr19-47588325-G-A.
Identifiers: ClinVar variation 3060551 (VCV003060551.2), dbSNP rs2287842, ClinGen allele CA9535346.

ClinVar aggregate classification (germline): Benign (0 of 4 stars; one submission).

Conditions:
ZC3H4-related disorder. Also called: ZC3H4-related condition.

Allele frequency attached by ClinVar (database versions not stated): 1000 Genomes Project 30x 0.20706; 1000 Genomes Project 0.20827; ESP Exome Variant Server 0.22044; TOPMed 0.22629; ExAC 0.26884; gnomAD exomes 0.28272.
gnomAD v4.1: 447,713 of 1,613,938 alleles (28%); highest among the groups gnomAD compares: Admixed American, 30%; 64,504 homozygotes.

Submission:

PreventionGenetics, part of Exact Sciences
Classification: Benign for ZC3H4-related condition. Last evaluated: 2019-10-30. Review status: no assertion criteria provided. Collection method: clinical testing. Allele origin: germline.
Comment: This variant is classified as benign based on ACMG/AMP sequence variant interpretation guidelines (Richards et al. 2015 PMID: 25741868, with internal and published modifications).